The following is an entry in ClinVar:

ClinVar aggregate classification (germline): Likely benign. Review status: criteria provided, multiple submitters, no conflicts (2 of 4 stars). 4 submissions from 4 submitters: Likely benign (4). Last evaluated 2023-10-26.

Conditions:
Hereditary cancer-predisposing syndrome. Also called: Hereditary Cancer Syndrome; Tumor predisposition; Hereditary neoplastic syndrome; Neoplastic Syndromes, Hereditary. Identifiers: Orphanet 140162, MedGen C0027672, MeSH D009386, MONDO:0015356.
Microcephaly, normal intelligence and immunodeficiency (NBS). Also called: SEEMANOVA SYNDROME II; Nijmegen breakage syndrome; Microcephaly with normal intelligence immunodeficiency and lymphoreticular malignancies; Nonsyndromal microcephaly autosomal recessive with normal intelligence; Seemanova syndrome 2; BERLIN BREAKAGE SYNDROME. Identifiers: Orphanet 647, MedGen C0398791, MONDO:0009623, OMIM 251260.

Submissions (4):

Labcorp Genetics (formerly Invitae), Labcorp
Classification: Likely benign for Microcephaly, normal intelligence and immunodeficiency. Last evaluated: 2023-10-26. Review status: criteria provided, single submitter. Criteria: Invitae Variant Classification Sherloc (09022015). Collection method: clinical testing. Allele origin: germline.

Blueprint Genetics
Classification: Likely benign. Last evaluated: 2022-11-09. Review status: criteria provided, single submitter. Criteria: ACMG Guidelines, 2015. Collection method: clinical testing. Allele origin: germline.

GeneDx
Classification: Likely benign. Last evaluated: 2018-03-01. Review status: criteria provided, single submitter. Criteria: GeneDx Variant Classification (06012015). Collection method: clinical testing. Allele origin: germline. Affected: yes.
Comment: This variant is considered likely benign or benign based on one or more of the following criteria: it is a conservative change, it occurs at a poorly conserved position in the protein, it is predicted to be benign by multiple in silico algorithms, and/or has population frequency not consistent with disease.

Ambry Genetics
Classification: Likely benign for Hereditary cancer-predisposing syndrome. Last evaluated: 2017-09-28. Review status: criteria provided, single submitter. Criteria: Ambry Variant Classification Scheme 2023. Collection method: clinical testing. Allele origin: germline.

NM_002485.5(NBN):c.1095T>C (p.Ala365=)

Gene: NBN (nibrin; minus strand). Cytogenetic location: 8q21.3.
Variant type: single nucleotide variant.
Coding change: c.1095T>C on transcript NM_002485.5 (MANE Select); coding-DNA position 1095, T replaced by C.
Protein change: p.Ala365=; no amino-acid change (alanine 365 retained).
Molecular consequence: synonymous variant.
Genome position (GRCh38, 1-based): chr8:89,958,754, A>G on the plus strand (T>C on the coding strand, the complement: NBN is on the minus strand). VCF-style: chr8-89958754-A-G. GRCh37 (hg19) VCF-style: chr8-90970982-A-G.
Other names: c.849T>C, p.Ala283= (NM_001024688.3).
Identifiers: ClinVar variation 515927 (VCV000515927.15), dbSNP rs1554560368, ClinGen allele CA461828173.